The following is an entry in ClinVar:

ClinVar aggregate classification (germline): Pathogenic (1 of 4 stars; one submission).

Submission:

Labcorp Genetics (formerly Invitae), Labcorp
Classification: Pathogenic. Last evaluated: 2025-09-08. Review status: criteria provided, single submitter. Criteria: Invitae Variant Classification Sherloc (09022015). Collection method: clinical testing. Allele origin: germline.
Comment: This sequence change creates a premature translational stop signal (p.Arg225Glufs*20) in the FAM161A gene. It is expected to result in an absent or disrupted protein product. Loss-of-function variants in FAM161A are known to be pathogenic (PMID: 20705278, 20705279, 24651477). This variant is not present in population databases (gnomAD no frequency). This variant has not been reported in the literature in individuals affected with FAM161A-related conditions. ClinVar contains an entry for this variant (Variation ID: 1454639). For these reasons, this variant has been classified as Pathogenic.

Literature cited by the submitters: PubMed 20705278; PubMed 20705279; PubMed 24651477.

NM_001201543.2(FAM161A):c.673del (p.Arg225fs)

Gene: FAM161A (FAM161 centrosomal protein A; minus strand). Cytogenetic location: 2p15.
Variant type: Deletion.
Coding change: c.673del on transcript NM_001201543.2 (MANE Select); coding-DNA position 673, one base deleted (A; older notation c.673delA).
Protein change: p.Arg225fs; shifts the reading frame from arginine 225.
Molecular consequence: frameshift variant. On other transcripts: non-coding transcript variant (1).
Genome position (GRCh38, 1-based): chr2:61,840,331, T deleted on the plus strand (A on the coding strand, the reverse complement: FAM161A is on the minus strand); the first of 6 consecutive T bases (chr2:61,840,331-61,840,336); deleting any one gives the same sequence. VCF-style (leftmost placement, unchanged base first): chr2-61840330-CT-C. GRCh37 (hg19) VCF-style: chr2-62067465-CT-C.
Other names: c.673del, p.Arg225fs (NM_032180.3); short protein forms R225fs.
Identifiers: ClinVar variation 1454639 (VCV001454639.6), dbSNP rs2105083232, ClinGen allele CA2573135006.